The following is an entry in ClinVar:

NM_000080.4(CHRNE):c.345-1G>A

Genes: C17orf107 (chromosome 17 open reading frame 107; plus strand), CHRNE (cholinergic receptor nicotinic epsilon subunit; minus strand). Cytogenetic location: 17p13.2.
Variant type: single nucleotide variant.
Coding change: c.345-1G>A on transcript NM_000080.4 (MANE Select); the canonical splice acceptor site of the intron before coding-DNA position 345, G replaced by A.
Molecular consequence: splice acceptor variant. On other transcripts: 3 prime UTR variant (1).
Genome position (GRCh38, 1-based): chr17:4,902,088, C>T on the plus strand (G>A on the coding strand, the complement: CHRNE is on the minus strand). VCF-style: chr17-4902088-C-T. GRCh37 (hg19) VCF-style: chr17-4805383-C-T.
Other names: c.*1555C>T (NM_001145536.2).
Identifiers: ClinVar variation 2744661 (VCV002744661.3), dbSNP rs2507560746, ClinGen allele CA397306404.

ClinVar aggregate classification (germline): Likely pathogenic (1 of 4 stars; one submission).

Conditions:
Congenital myasthenic syndrome 4A. Also called: CONGENITAL MYASTHENIC SYNDROME TYPE Ia1; Myasthenic syndrome, congenital, 4a, slow-channel; MYASTHENIC SYNDROME, CONGENITAL, 4A, SLOW-CHANNEL, AUTOSOMAL RECESSIVE. Identifiers: Orphanet 590, MedGen C4225413, MONDO:0011600, OMIM 605809.

gnomAD v4.1: 1 of 1,614,048 alleles (0.000062%); highest among the groups gnomAD compares: Non-Finnish European, 0.000085%; no homozygotes.

Submission:

Labcorp Genetics (formerly Invitae), Labcorp
Classification: Likely pathogenic for Congenital myasthenic syndrome 4A. Last evaluated: 2023-11-09. Review status: criteria provided, single submitter. Criteria: Invitae Variant Classification Sherloc (09022015). Collection method: clinical testing. Allele origin: germline.
Comment: This sequence change affects an acceptor splice site in intron 4 of the CHRNE gene. It is expected to disrupt RNA splicing. Variants that disrupt the donor or acceptor splice site typically lead to a loss of protein function (PMID: 16199547), and loss-of-function variants in CHRNE are known to be pathogenic (PMID: 22678886). This variant is not present in population databases (gnomAD no frequency). This variant has not been reported in the literature in individuals affected with CHRNE-related conditions. Algorithms developed to predict the effect of sequence changes on RNA splicing suggest that this variant may disrupt the consensus splice site. In summary, the currently available evidence indicates that the variant is pathogenic, but additional data are needed to prove that conclusively. Therefore, this variant has been classified as Likely Pathogenic.

Literature cited by the submitters: PubMed 16199547; PubMed 22678886.